The following is an entry in ClinVar:

NM_031229.4(RBCK1):c.654G>A (p.Arg218=)

Gene: RBCK1 (RANBP2-type and C3HC4-type zinc finger containing 1; plus strand). Cytogenetic location: 20p13.
Variant type: single nucleotide variant.
Coding change: c.654G>A on transcript NM_031229.4 (MANE Select); coding-DNA position 654, G replaced by A.
Protein change: p.Arg218=; no amino-acid change (arginine 218 retained).
Molecular consequence: synonymous variant. On other transcripts: missense variant (2), non-coding transcript variant (1).
Genome position (GRCh38, 1-based): chr20:419,629, G>A. VCF-style: chr20-419629-G-A. GRCh37 (hg19) VCF-style: chr20-400273-G-A.
Other names: c.305G>A, p.Gly102Glu (NM_001323956.2, NM_001323958.2); c.528G>A, p.Arg176= (NM_006462.6); c.305G>A (NM_001323958.1); short protein forms G102E.
Identifiers: ClinVar variation 720938 (VCV000720938.14), dbSNP rs149541936, ClinGen allele CA9723146.
Genomic context (GRCh38, chr20:419,629, plus strand): 5'-GTGCCCCGGGTGCACCTTCATCAACAAGCCCACGCGGCCTGGCTGTGAGATGTGCTGCCG[G>A]GCGCGCCCCGAGGCCTACCAGGTCCCCGCCTCATACCAGCCCGACGAGGAGGAGCGAGCG-3'
Protein context (NP_112506.2, residues 208-228): PTRPGCEMCC[Arg218=]ARPEAYQVPA

ClinVar aggregate classification (germline): Likely benign. Review status: criteria provided, multiple submitters, no conflicts (2 of 4 stars). 3 submissions from 3 submitters: Likely benign (2). 1 of the submissions does not count toward it. Last evaluated 2026-02-01.

Conditions:
RBCK1-related disorder. Also called: RBCK1-related condition.
Polyglucosan body myopathy type 1 (PGBM1). Also called: Polyglucosan body myopathy 1 with or without immunodeficiency; POLYGLUCOSAN BODY MYOPATHY WITHOUT IMMUNODEFICIENCY. Identifiers: Orphanet 329173, Orphanet 397937, MedGen C4014605, MONDO:0014389, OMIM 615895.

Allele frequency attached by ClinVar (database versions not stated): 1000 Genomes Project 30x 0.00016; 1000 Genomes Project 0.00020; gnomAD exomes 0.00034 and 0.00055; ESP Exome Variant Server 0.00046; gnomAD 0.00046 and 0.00049; TOPMed 0.00054; ExAC 0.00055.
gnomAD v4.1: 856 of 1,590,648 alleles (0.054%); highest among the groups gnomAD compares: Admixed American, 0.089%; 1 homozygote.

Submissions (3):

Labcorp Genetics (formerly Invitae), Labcorp
Classification: Likely benign for Polyglucosan body myopathy type 1. Last evaluated: 2026-02-01. Review status: criteria provided, single submitter. Criteria: Invitae Variant Classification Sherloc (09022015). Collection method: clinical testing. Allele origin: germline.

Blueprint Genetics
Classification: Likely benign. Last evaluated: 2024-11-06. Review status: criteria provided, single submitter. Criteria: ACMG Guidelines, 2015. Collection method: clinical testing. Allele origin: germline.

PreventionGenetics, part of Exact Sciences
Classification: Likely benign for RBCK1-related condition. Last evaluated: 2019-03-04. Review status: no assertion criteria provided. Collection method: clinical testing. Allele origin: germline. Not counted in ClinVar's aggregate classification.
Comment: This variant is classified as likely benign based on ACMG/AMP sequence variant interpretation guidelines (Richards et al. 2015 PMID: 25741868, with internal and published modifications).